The following is an entry in ClinVar:

NM_025074.7(FRAS1):c.10960C>T (p.Arg3654Cys)

Genes: FRAS1 (Fraser extracellular matrix complex subunit 1; plus strand), LOC126807089 (CDK7 strongly-dependent group 2 enhancer GRCh37_chr4:79455131-79456330; plus strand). Cytogenetic location: 4q21.21.
Variant type: single nucleotide variant.
Coding change: c.10960C>T on transcript NM_025074.7 (MANE Select); coding-DNA position 10960, C replaced by T.
Protein change: p.Arg3654Cys; replaces arginine 3654 with cysteine.
Molecular consequence: missense variant.
Genome position (GRCh38, 1-based): chr4:78,534,483, C>T. VCF-style: chr4-78534483-C-T. GRCh37 (hg19) VCF-style: chr4-79455637-C-T.
Other names: c.10960C>T (NM_025074.6); short protein forms R3654C.
Identifiers: ClinVar variation 1519979 (VCV001519979.6), dbSNP rs755221317, ClinGen allele CA2979110.

ClinVar aggregate classification (germline): Uncertain significance. Review status: criteria provided, multiple submitters, no conflicts (2 of 4 stars). 3 submissions from 3 submitters: Uncertain significance (3). Last evaluated 2024-05-09.

Conditions:
Fraser syndrome 1 (FRASRS1). Also called: CRYPTOPHTHALMOS WITH OTHER MALFORMATIONS. Identifiers: Orphanet 2052, MedGen C4551480, MONDO:0054737, OMIM 219000.
Inborn genetic diseases. Identifiers: MedGen C0950123, MeSH D030342.

Allele frequency attached by ClinVar (database versions not stated): gnomAD 0.00001 and 0.00002; TOPMed 0.00001; ExAC 0.00004; gnomAD exomes 0.00004 and 0.00005.
gnomAD v4.1: 56 of 1,613,368 alleles (0.0035%); highest among the groups gnomAD compares: South Asian, 0.025%; 1 homozygote.

Submissions (3):

Fulgent Genetics
Classification: Uncertain significance for Fraser syndrome 1. Last evaluated: 2024-05-09. Review status: criteria provided, single submitter. Criteria: ACMG Guidelines, 2015. Collection method: clinical testing. Allele origin: germline.

Labcorp Genetics (formerly Invitae), Labcorp
Classification: Uncertain significance. Last evaluated: 2022-10-13. Review status: criteria provided, single submitter. Criteria: Invitae Variant Classification Sherloc (09022015). Collection method: clinical testing. Allele origin: germline.
Comment: This sequence change replaces arginine, which is basic and polar, with cysteine, which is neutral and slightly polar, at codon 3654 of the FRAS1 protein (p.Arg3654Cys). This variant is present in population databases (rs755221317, gnomAD 0.03%). This variant has not been reported in the literature in individuals affected with FRAS1-related conditions. ClinVar contains an entry for this variant (Variation ID: 1519979). Advanced modeling of protein sequence and biophysical properties (such as structural, functional, and spatial information, amino acid conservation, physicochemical variation, residue mobility, and thermodynamic stability) performed at Invitae indicates that this missense variant is expected to disrupt FRAS1 protein function. In summary, the available evidence is currently insufficient to determine the role of this variant in disease. Therefore, it has been classified as a Variant of Uncertain Significance.

Ambry Genetics
Classification: Uncertain significance for Inborn genetic diseases. Last evaluated: 2021-12-17. Review status: criteria provided, single submitter. Criteria: Ambry Variant Classification Scheme 2023. Collection method: clinical testing. Allele origin: germline.